The following is an entry in ClinVar:

ClinVar aggregate classification (germline): Conflicting classifications of pathogenicity. Review status: criteria provided, conflicting classifications (1 of 4 stars). 5 submissions from 5 submitters: Uncertain significance (2); Likely benign (3). Last evaluated 2026-01-27.

Conditions:
Tuberous sclerosis syndrome (TSC). Also called: Tuberous Sclerosis Complex; Tuberous sclerosis. Identifiers: Orphanet 805, MedGen C0041341, MONDO:0001734.
Tuberous sclerosis 2 (TSC2). Identifiers: Orphanet 805, MedGen C1860707, MONDO:0013199, OMIM 613254.

Allele frequency attached by ClinVar (database versions not stated): ExAC 0.00003; gnomAD 0.00003; TOPMed 0.00003; 1000 Genomes Project 0.00020; 1000 Genomes Project 30x 0.00031.
gnomAD v4.1: 12 of 1,613,634 alleles (0.00074%); highest among the groups gnomAD compares: African/African-American, 0.013%; no homozygotes.

Submissions (5):

Labcorp Genetics (formerly Invitae), Labcorp
Classification: Likely benign for Tuberous sclerosis 2. Last evaluated: 2026-01-27. Review status: criteria provided, single submitter. Criteria: Invitae Variant Classification Sherloc (09022015). Collection method: clinical testing. Allele origin: germline.

Myriad Genetics, Inc.
Classification: Likely benign for Tuberous sclerosis 2. Last evaluated: 2024-08-08. Review status: criteria provided, single submitter. Criteria: Myriad Autosomal Dominant, Autosomal Recessive and X-Linked Classification Criteria (2023). Collection method: clinical testing. Allele origin: unknown.
Comment: This variant is considered likely benign. This variant is intronic and is not expected to impact mRNA splicing. This variant has been observed at a population frequency that is significantly greater than expected given the associated disease prevalence and penetrance.

All of Us Research Program, National Institutes of Health
Classification: Uncertain significance for Tuberous sclerosis syndrome. Last evaluated: 2024-07-10. Review status: criteria provided, single submitter. Criteria: ACMG Guidelines, 2015. Collection method: clinical testing. Allele origin: germline. Inheritance: Autosomal dominant inheritance. Observed: 7 variant alleles, 7 heterozygotes.
Comment: This variant causes a T to G nucleotide substitution at the -15 position of intron 2 of the TSC2 gene. To our knowledge, functional studies have not been reported for this variant. This variant has not been reported in individuals affected with tuberous sclerosis complex in the literature. This variant has been identified in 6/282150 chromosomes in the general population by the Genome Aggregation Database (gnomAD). The available evidence is insufficient to determine the role of this variant in disease conclusively. Therefore, this variant is classified as a Variant of Uncertain Significance.

This study involves interpretation of variants in research participants for the purpose of population health screening. Participant phenotype was not available at the time of variant classification. Additional details can be found in publication PMID: 35346344, PMCID: PMC8962531

Color Diagnostics, LLC DBA Color Health
Classification: Uncertain significance for Tuberous sclerosis syndrome. Last evaluated: 2023-10-25. Review status: criteria provided, single submitter. Criteria: ACMG Guidelines, 2015. Collection method: clinical testing. Allele origin: germline.
Comment: This variant causes a T to G nucleotide substitution at the -15 position of intron 2 of the TSC2 gene. To our knowledge, RNA studies have not been reported for this variant. This variant has not been reported in individuals affected with TSC2-related disorders in the literature. This variant has been identified in 6/282150 chromosomes in the general population by the Genome Aggregation Database (gnomAD). The available evidence is insufficient to determine the role of this variant in disease conclusively. Therefore, this variant is classified as a Variant of Uncertain Significance.

GeneDx
Classification: Likely benign. Last evaluated: 2017-07-06. Review status: criteria provided, single submitter. Criteria: GeneDx Variant Classification (06012015). Collection method: clinical testing. Allele origin: germline. Affected: yes.
Comment: This variant is considered likely benign or benign based on one or more of the following criteria: it is a conservative change, it occurs at a poorly conserved position in the protein, it is predicted to be benign by multiple in silico algorithms, and/or has population frequency not consistent with disease.

NM_000548.5(TSC2):c.139-15T>G

Gene: TSC2 (TSC complex subunit 2; plus strand). Cytogenetic location: 16p13.3.
Variant type: single nucleotide variant.
Coding change: c.139-15T>G on transcript NM_000548.5 (MANE Select); 15 bases into the intron before coding-DNA position 139, T replaced by G.
Molecular consequence: intron variant.
Genome position (GRCh38, 1-based): chr16:2,050,385, T>G. VCF-style: chr16-2050385-T-G. GRCh37 (hg19) VCF-style: chr16-2100386-T-G.
Other names: c.139-15T>G (NM_001114382.3, NM_021055.3, NM_001370405.1 and 4 more transcripts); c.-88-15T>G (NM_001318831.2); c.-9-15T>G (NM_001318829.2); c.172-15T>G (NM_001318832.2).
Identifiers: ClinVar variation 517101 (VCV000517101.12), dbSNP rs563094714, ClinGen allele CA029945.
Genomic context (GRCh38, chr16:2,050,385, plus strand): 5'-GGTGGTTTGTGACTTGCAGTTAAGGAGACCGTGGCCTGAGCACTGGCCCCTTTTTCTTCT[T>G]TCATCTCTCTCCAGGAACTGAGCATGGAATGTGGCCTCAACAATCGCATCCGGATGATAG-3'